The following is an entry in ClinVar:

ClinVar aggregate classification (germline): Uncertain significance (1 of 4 stars; one submission).

Conditions:
Hypertrophic cardiomyopathy. Also called: HYPERTROPHIC MYOCARDIOPATHY. Identifiers: Orphanet 217569, MedGen C0007194, MeSH D002312, MONDO:0005045, HP:0001639.

Allele frequency attached by ClinVar (database versions not stated): gnomAD exomes below 0.00001.
gnomAD v4.1: 1 of 1,614,010 alleles (0.000062%); highest among the groups gnomAD compares: Non-Finnish European, 0.000085%; no homozygotes.

Submission:

Labcorp Genetics (formerly Invitae), Labcorp
Classification: Uncertain significance for Hypertrophic cardiomyopathy. Last evaluated: 2022-07-13. Review status: criteria provided, single submitter. Criteria: Invitae Variant Classification Sherloc (09022015). Collection method: clinical testing. Allele origin: germline.
Comment: This sequence change replaces leucine, which is neutral and non-polar, with glutamine, which is neutral and polar, at codon 554 of the MYBPC3 protein (p.Leu554Gln). This variant is not present in population databases (gnomAD no frequency). This variant has not been reported in the literature in individuals affected with MYBPC3-related conditions. Algorithms developed to predict the effect of missense changes on protein structure and function (SIFT, PolyPhen-2, Align-GVGD) all suggest that this variant is likely to be disruptive. In summary, the available evidence is currently insufficient to determine the role of this variant in disease. Therefore, it has been classified as a Variant of Uncertain Significance.

NM_000256.3(MYBPC3):c.1661T>A (p.Leu554Gln)

Gene: MYBPC3 (myosin binding protein C3; minus strand). Cytogenetic location: 11p11.2.
Variant type: single nucleotide variant.
Coding change: c.1661T>A on transcript NM_000256.3 (MANE Select); coding-DNA position 1661, T replaced by A.
Protein change: p.Leu554Gln; replaces leucine 554 with glutamine.
Molecular consequence: missense variant.
Genome position (GRCh38, 1-based): chr11:47,342,120, A>T on the plus strand (T>A on the coding strand, the complement: MYBPC3 is on the minus strand). VCF-style: chr11-47342120-A-T. GRCh37 (hg19) VCF-style: chr11-47363671-A-T.
Other names: short protein forms L554Q.
Identifiers: ClinVar variation 2016451 (VCV002016451.4), dbSNP rs2495761448, ClinGen allele CA380324425.